The following is an entry in ClinVar:

ClinVar aggregate classification (germline): Benign/Likely benign. Review status: criteria provided, multiple submitters, no conflicts (2 of 4 stars). 2 submissions from 2 submitters: Benign (1); Likely benign (1). Last evaluated 2025-12-29.

Conditions:
SLC2A9-related disorder. Also called: SLC2A9-related condition.

Allele frequency attached by ClinVar (database versions not stated): gnomAD 0.00001 and 0.00026; gnomAD exomes 0.00049; 1000 Genomes Project 30x 0.00297; 1000 Genomes Project 0.00319.
gnomAD v4.1: 763 of 1,614,006 alleles (0.047%); highest among the groups gnomAD compares: South Asian, 0.77%; 14 homozygotes.

Submissions (2):

Labcorp Genetics (formerly Invitae), Labcorp
Classification: Benign. Last evaluated: 2025-12-29. Review status: criteria provided, single submitter. Criteria: Invitae Variant Classification Sherloc (09022015). Collection method: clinical testing. Allele origin: germline.

PreventionGenetics, part of Exact Sciences
Classification: Likely benign for SLC2A9-related condition. Last evaluated: 2025-02-03. Review status: criteria provided, single submitter. Criteria: ACMG Guidelines, 2015. Collection method: clinical testing. Allele origin: germline.
Comment: This variant is classified as likely benign based on ACMG/AMP sequence variant interpretation guidelines (Richards et al. 2015 PMID: 25741868, with internal and published modifications).

NM_020041.3(SLC2A9):c.1050G>A (p.Pro350=)

Gene: SLC2A9 (solute carrier family 2 member 9; minus strand). Cytogenetic location: 4p16.1.
Variant type: single nucleotide variant.
Coding change: c.1050G>A on transcript NM_020041.3 (MANE Select); coding-DNA position 1050, G replaced by A.
Protein change: p.Pro350=; no amino-acid change (proline 350 retained).
Molecular consequence: synonymous variant.
Genome position (GRCh38, 1-based): chr4:9,908,298, C>T on the plus strand (G>A on the coding strand, the complement: SLC2A9 is on the minus strand). VCF-style: chr4-9908298-C-T. GRCh37 (hg19) VCF-style: chr4-9909922-C-T.
Other names: c.1050G>A (NM_020041.2); c.963G>A, p.Pro321= (NM_001001290.2).
Identifiers: ClinVar variation 1599340 (VCV001599340.9), dbSNP rs576420234, ClinGen allele CA2856992.
Genomic context (GRCh38, chr4:9,908,298, plus strand): 5'-GAAGACGGCAGCCAAAGTCTCGATGCCCCCTGTACTCAAGGTGACGTATGGGATCTTTGC[C>T]GGAGGGATCCCAGCTTTTCCAAAGATGCTGTTGGTATAGAACCAAATCTGTAATTCAGGA-3'
Protein context (NP_064425.2, residues 340-360): NSIFGKAGIP[Pro350=]AKIPYVTLST